The following is an entry in ClinVar:

NM_004482.4(GALNT3):c.184A>T (p.Met62Leu)

Gene: GALNT3 (polypeptide N-acetylgalactosaminyltransferase 3; minus strand). Cytogenetic location: 2q24.3.
Variant type: single nucleotide variant.
Coding change: c.184A>T on transcript NM_004482.4 (MANE Select); coding-DNA position 184, A replaced by T.
Protein change: p.Met62Leu; replaces methionine 62 with leucine.
Molecular consequence: missense variant.
Genome position (GRCh38, 1-based): chr2:165,770,517, T>A on the plus strand (A>T on the coding strand, the complement: GALNT3 is on the minus strand). VCF-style: chr2-165770517-T-A. GRCh37 (hg19) VCF-style: chr2-166627027-T-A.
Other names: short protein forms M62L.
Identifiers: ClinVar variation 3356932 (VCV003356932.1).

ClinVar aggregate classification (germline): Uncertain significance (0 of 4 stars; one submission).

Conditions:
GALNT3-related disorder. Also called: GALNT3-related condition.

gnomAD v4.1: 6 of 1,614,174 alleles (0.00037%); highest among the groups gnomAD compares: Non-Finnish European, 0.00042%; no homozygotes.

Submission:

PreventionGenetics, part of Exact Sciences
Classification: Uncertain significance for GALNT3-related condition. Last evaluated: 2024-03-31. Review status: no assertion criteria provided. Collection method: clinical testing. Allele origin: germline.
Comment: The GALNT3 c.184A>T variant is predicted to result in the amino acid substitution p.Met62Leu. To our knowledge, this variant has not been reported in the literature. This variant is reported in 0.00088% of alleles in individuals of European (Non-Finnish) descent in gnomAD. At this time, the clinical significance of this variant is uncertain due to the absence of conclusive functional and genetic evidence.